The following is an entry in ClinVar:

ClinVar aggregate classification (germline): Uncertain significance (1 of 4 stars; one submission).

gnomAD v4.1: 6 of 1,570,654 alleles (0.00038%); highest among the groups gnomAD compares: African/African-American, 0.0054%; no homozygotes.

Submission:

Labcorp Genetics (formerly Invitae), Labcorp
Classification: Uncertain significance. Last evaluated: 2025-03-16. Review status: criteria provided, single submitter. Criteria: Invitae Variant Classification Sherloc (09022015). Collection method: clinical testing. Allele origin: germline.
Comment: This sequence change replaces alanine, which is neutral and non-polar, with glycine, which is neutral and non-polar, at codon 685 of the FUK protein (p.Ala685Gly). This variant is present in population databases (rs778233490, gnomAD 0.01%). This variant has not been reported in the literature in individuals affected with FUK-related conditions. An algorithm developed to predict the effect of missense changes on protein structure and function (PolyPhen-2) suggests that this variant is likely to be disruptive. In summary, the available evidence is currently insufficient to determine the role of this variant in disease. Therefore, it has been classified as a Variant of Uncertain Significance.

NM_145059.3(FCSK):c.2054C>G (p.Ala685Gly)

Gene: FCSK (fucose kinase; plus strand). Cytogenetic location: 16q22.1.
Variant type: single nucleotide variant.
Coding change: c.2054C>G on transcript NM_145059.3 (MANE Select); coding-DNA position 2054, C replaced by G.
Protein change: p.Ala685Gly; replaces alanine 685 with glycine.
Molecular consequence: missense variant.
Genome position (GRCh38, 1-based): chr16:70,474,593, C>G. VCF-style: chr16-70474593-C-G. GRCh37 (hg19) VCF-style: chr16-70508496-C-G.
Other names: short protein forms A685G.
Identifiers: ClinVar variation 4697476 (VCV004697476.1).